The following is an entry in ClinVar:

NM_001267550.2(TTN):c.52110G>A (p.Pro17370=)

Genes: TTN (titin; minus strand), TTN-AS1 (TTN antisense RNA 1; plus strand). Cytogenetic location: 2q31.2.
Variant type: single nucleotide variant.
Coding change: c.52110G>A on transcript NM_001267550.2 (MANE Select); coding-DNA position 52110, G replaced by A.
Protein change: p.Pro17370=; no amino-acid change (proline 17370 retained).
Molecular consequence: synonymous variant.
Genome position (GRCh38, 1-based): chr2:178,608,901, C>T on the plus strand (G>A on the coding strand, the complement: TTN is on the minus strand). VCF-style: chr2-178608901-C-T. GRCh37 (hg19) VCF-style: chr2-179473628-C-T.
Other names: p.P14802P:CCG>CCA; c.47187G>A, p.Pro15729= (NM_001256850.1); c.24915G>A, p.Pro8305= (NM_003319.4); c.44406G>A, p.Pro14802= (NM_133378.4); c.25290G>A, p.Pro8430= (NM_133432.3); c.25491G>A, p.Pro8497= (NM_133437.4).
Identifiers: ClinVar variation 47059 (VCV000047059.65), dbSNP rs139789997, ClinGen allele CA283403.

ClinVar aggregate classification (germline): Conflicting classifications of pathogenicity. Review status: criteria provided, conflicting classifications (1 of 4 stars). 21 submissions from 17 submitters: Uncertain significance (3); Benign (5); Likely benign (10). 3 of the submissions do not count toward it. Last evaluated 2026-03-01.

Conditions:
Dilated cardiomyopathy 1G (CMD1G). Identifiers: Orphanet 154, MedGen C1858763, MONDO:0011400, OMIM 604145.
Autosomal recessive limb-girdle muscular dystrophy type 2J (LGMDR10). Also called: MUSCULAR DYSTROPHY, LIMB-GIRDLE, AUTOSOMAL RECESSIVE 10; Limb-girdle muscular dystrophy, type 2J. Identifiers: Orphanet 140922, MedGen C1837342, MONDO:0012127, OMIM 608807.
Cardiovascular phenotype. Identifiers: MedGen CN230736.
TTN-related disorder. Also called: TTN-related disorders; TTN-related condition; TTN-related disease.
Cardiomyopathy (CMYO). Also called: Cardiomyopathies. Identifiers: Orphanet 167848, MedGen C0878544, MONDO:0004994, HP:0001638. Inheritance: Various modes of inheritance.
Early-onset myopathy with fatal cardiomyopathy (CMYO5). Also called: CONGENITAL MYOPATHY 5 WITH CARDIOMYOPATHY; Salih Myopathy. Identifiers: Orphanet 289377, MedGen C2673677, MONDO:0012714, OMIM 611705. Disease mechanism: loss of function.
Myopathy, myofibrillar, 9, with early respiratory failure (MFM9). Also called: Myopathy, distal, with early respiratory failure, autosomal dominant; Hereditary myopathy with early respiratory failure; MYOPATHY, PROXIMAL, WITH EARLY RESPIRATORY MUSCLE INVOLVEMENT; EDSTROM MYOPATHY. Identifiers: Orphanet 178464, Orphanet 34521, MedGen C1863599, MONDO:0011362, OMIM 603689.
Tibial muscular dystrophy (TMD). Also called: Udd Distal Myopathy – Tibial Muscular Dystrophy; Tibial muscular dystrophy, tardive; UDD MYOPATHY. Identifiers: Orphanet 609, MedGen C1838244, MONDO:0010870, OMIM 600334.

Allele frequency attached by ClinVar (database versions not stated): ESP Exome Variant Server 0.00042; TOPMed 0.00056; gnomAD exomes 0.00068 and 0.00039; 1000 Genomes Project 0.00100; ExAC 0.00043; gnomAD 0.00046 and 0.00049; 1000 Genomes Project 30x 0.00078.
gnomAD v4.1: 1,060 of 1,607,808 alleles (0.066%); highest among the groups gnomAD compares: Non-Finnish European, 0.081%; no homozygotes.

Submissions (21):

CeGaT Center for Human Genetics Tuebingen
Classification: Likely benign. Last evaluated: 2026-03-01. Review status: criteria provided, single submitter. Criteria: CeGaT Center For Human Genetics Tuebingen Variant Classification Criteria Version 2. Collection method: clinical testing. Allele origin: germline. Affected: yes. Observed: 4 variant alleles.
Comment: TTN: BP4, BP7

PreventionGenetics, part of Exact Sciences
Classification: Likely benign for TTN-related condition. Last evaluated: 2026-02-02. Review status: criteria provided, single submitter. Criteria: ACMG Guidelines, 2015. Collection method: clinical testing. Allele origin: germline.
Comment: This variant is classified as likely benign based on ACMG/AMP sequence variant interpretation guidelines (Richards et al. 2015 PMID: 25741868, with internal and published modifications).

Labcorp Genetics (formerly Invitae), Labcorp
Classification: Benign for Dilated cardiomyopathy 1G; Autosomal recessive limb-girdle muscular dystrophy type 2J. Last evaluated: 2026-02-01. Review status: criteria provided, single submitter. Criteria: Invitae Variant Classification Sherloc (09022015). Collection method: clinical testing. Allele origin: germline.

Molecular Diagnostic Laboratory for Inherited Cardiovascular Disease, Montreal Heart Institute
Classification: Benign. Last evaluated: 2025-04-09. Review status: criteria provided, single submitter. Criteria: ACMG Guidelines, 2015. Collection method: clinical testing. Allele origin: germline. Affected: no.

ARUP Laboratories, Molecular Genetics and Genomics, ARUP Laboratories
Classification: Likely benign. Last evaluated: 2025-04-08. Review status: criteria provided, single submitter. Criteria: ARUP Molecular Germline Variant Investigation Process 2024. Collection method: clinical testing. Allele origin: germline.

Blueprint Genetics
Classification: Likely benign. Last evaluated: 2024-11-13. Review status: criteria provided, single submitter. Criteria: ACMG Guidelines, 2015. Collection method: clinical testing. Allele origin: germline.

Athena Diagnostics
Classification: Likely benign. Last evaluated: 2024-07-02. Review status: criteria provided, single submitter. Criteria: Athena Diagnostics Criteria. Collection method: clinical testing. Allele origin: unknown.

CHEO Genetics Diagnostic Laboratory, Children's Hospital of Eastern Ontario
Classification: Likely benign for Cardiomyopathy. Last evaluated: 2023-03-21. Review status: criteria provided, single submitter. Criteria: ACMG Guidelines, 2015. Collection method: clinical testing. Allele origin: germline.

Women's Health and Genetics/Laboratory Corporation of America, LabCorp
Classification: Likely benign. Last evaluated: 2020-10-24. Review status: criteria provided, single submitter. Criteria: LabCorp Variant Classification Summary - May 2015. Collection method: clinical testing. Allele origin: germline.

Illumina Laboratory Services, Illumina
Classification: Uncertain significance for Early-onset myopathy with fatal cardiomyopathy. Last evaluated: 2018-02-12. Review status: criteria provided, single submitter. Criteria: ICSL Variant Classification Criteria 13 December 2019. Collection method: clinical testing. Allele origin: germline.

Illumina Laboratory Services, Illumina
Classification: Benign for Tibial muscular dystrophy. Last evaluated: 2018-02-12. Review status: criteria provided, single submitter. Criteria: ICSL Variant Classification Criteria 13 December 2019. Collection method: clinical testing. Allele origin: germline.
Comment: This variant was observed in the ICSL laboratory as part of a predisposition screen in an ostensibly healthy population. It had not been previously curated by ICSL or reported in the Human Gene Mutation Database (HGMD: prior to June 1st, 2018), and was therefore a candidate for classification through an automated scoring system. Utilizing variant allele frequency, disease prevalence and penetrance estimates, and inheritance mode, an automated score was calculated to assess if this variant is too frequent to cause the disease. Based on the score and internal cut-off values, a variant classified as benign is not then subjected to further curation. The score for this variant resulted in a classification of benign for this disease.

Illumina Laboratory Services, Illumina
Classification: Uncertain significance for Autosomal recessive limb-girdle muscular dystrophy type 2J. Last evaluated: 2018-02-12. Review status: criteria provided, single submitter. Criteria: ICSL Variant Classification Criteria 13 December 2019. Collection method: clinical testing. Allele origin: germline.

Illumina Laboratory Services, Illumina
Classification: Uncertain significance for Dilated cardiomyopathy 1G. Last evaluated: 2018-02-12. Review status: criteria provided, single submitter. Criteria: ICSL Variant Classification Criteria 13 December 2019. Collection method: clinical testing. Allele origin: germline.

Illumina Laboratory Services, Illumina
Classification: Benign for Myopathy, myofibrillar, 9, with early respiratory failure. Last evaluated: 2018-02-12. Review status: criteria provided, single submitter. Criteria: ICSL Variant Classification Criteria 13 December 2019. Collection method: clinical testing. Allele origin: germline.
Comment: the same text as in the submission from Illumina Laboratory Services, Illumina above.

Ambry Genetics
Classification: Likely benign for Cardiovascular phenotype. Last evaluated: 2016-10-06. Review status: criteria provided, single submitter. Criteria: Ambry Variant Classification Scheme 2023. Collection method: clinical testing. Allele origin: germline.

Eurofins Ntd Llc (ga)
Classification: Likely benign. Last evaluated: 2015-05-27. Review status: criteria provided, single submitter. Criteria: EGL Classification Definitions 2015. Collection method: clinical testing. Allele origin: germline. Observed: 1 variant allele, 1 heterozygote.

GeneDx
Classification: Benign. Last evaluated: 2014-07-25. Review status: criteria provided, single submitter. Criteria: GeneDx Variant Classification (06012015). Collection method: clinical testing. Allele origin: germline. Affected: yes.
Comment: This variant is considered likely benign or benign based on one or more of the following criteria: it is a conservative change, it occurs at a poorly conserved position in the protein, it is predicted to be benign by multiple in silico algorithms, and/or has population frequency not consistent with disease.

Laboratory for Molecular Medicine, Mass General Brigham Personalized Medicine
Classification: Likely benign. Last evaluated: 2012-04-17. Review status: criteria provided, single submitter. Criteria: LMM Criteria. Collection method: clinical testing. Allele origin: germline. Observed: 2 variant alleles.
Comment: Pro14802Pro in Exon 223 of TTN: This variant is not expected to have clinical si gnificance because it does not alter an amino acid residue and it is not located within the splice consensus sequence. It has been identified in 0.08% (5/6552) of European American chromosomes from a broad population by the NHLBI Exome Sequ encing Project (dbSNP rs139789997). Pro14802P ro in Exon 223 of TTN (allele frequency = 0.08%, 5/6552; dbSNP rs139789997) **

Clinical Genetics, Academic Medical Center
Classification: Benign. Review status: no assertion criteria provided. Collection method: clinical testing. Allele origin: germline. Affected: yes. Study: VKGL Data-share Consensus. Not counted in ClinVar's aggregate classification.

Diagnostic Laboratory, Department of Genetics, University Medical Center Groningen
Classification: Likely benign. Review status: no assertion criteria provided. Collection method: clinical testing. Allele origin: germline. Affected: yes. Study: VKGL Data-share Consensus. Not counted in ClinVar's aggregate classification.

Genome Diagnostics Laboratory, University Medical Center Utrecht
Classification: Likely benign. Review status: no assertion criteria provided. Collection method: clinical testing. Allele origin: germline. Affected: yes. Study: VKGL Data-share Consensus. Not counted in ClinVar's aggregate classification.